The following is an entry in ClinVar:

ClinVar aggregate classification (germline): Uncertain significance. Review status: criteria provided, multiple submitters, no conflicts (2 of 4 stars). 2 submissions from 2 submitters: Uncertain significance (2). Last evaluated 2026-03-25.

Conditions:
Type 2 diabetes mellitus. Also called: Type II diabetes mellitus. Identifiers: MedGen C0011860, MeSH D003924, MONDO:0005148, OMIM 125853, HP:0005978.
Maturity-onset diabetes of the young type 4 (MODY4). Also called: Maturity-onset diabetes of the young, type IV; MODY, type IV. Identifiers: Orphanet 552, MedGen C1833382, MONDO:0011667, OMIM 606392.
Pancreatic agenesis 1 (PAGEN1). Also called: PANCREATIC HYPOPLASIA, CONGENITAL. Identifiers: Orphanet 2805, MedGen C3891828, MONDO:0024547, OMIM 260370.

Submissions (2):

Women's Health and Genetics/Laboratory Corporation of America, LabCorp
Classification: Uncertain significance. Last evaluated: 2026-03-25. Review status: criteria provided, single submitter. Criteria: LabCorp Variant Classification Summary - May 2015. Collection method: clinical testing. Allele origin: germline.
Comment: Variant summary: PDX1 c.729_731delinsGCCCCG (p.Pro244_Gly245insArg) results in an in-frame insertion that is predicted to insert one amino acid into the encoded protein. The variant was absent in 106322 control chromosomes (gnomAD). The available data on variant occurrences in the general population are insufficient to allow any conclusion about variant significance. To our knowledge, no occurrence of c.729_731delinsGCCCCG in individuals affected with PDX1-related conditions and no experimental evidence demonstrating its impact on protein function have been reported. ClinVar contains an entry for this variant (Variation ID: 3575859). Based on the evidence outlined above, the variant was classified as uncertain significance.

Fulgent Genetics
Classification: Uncertain significance for Type 2 diabetes mellitus; Pancreatic agenesis 1; Maturity-onset diabetes of the young type 4. Last evaluated: 2024-03-26. Review status: criteria provided, single submitter. Criteria: ACMG Guidelines, 2015. Collection method: clinical testing. Allele origin: germline.

NM_000209.4(PDX1):c.729_731delinsGCCCCG (p.Pro244_Gly245insArg)

Gene: PDX1 (pancreatic and duodenal homeobox 1; plus strand). Cytogenetic location: 13q12.2.
Variant type: Indel.
Coding change: c.729_731delinsGCCCCG on transcript NM_000209.4 (MANE Select); coding-DNA positions 729 to 731, CCC replaced by GCCCCG.
Protein change: p.Pro244_Gly245insArg.
Genome position (GRCh38, 1-based): chr13:27,924,578-27,924,580, CCC replaced by GCCCCG. VCF-style: chr13-27924578-CCC-GCCCCG. GRCh37 (hg19) VCF-style: chr13-28498715-CCC-GCCCCG.
Identifiers: ClinVar variation 3575859 (VCV003575859.2).